The following is an entry in ClinVar:

ClinVar aggregate classification (germline): Uncertain significance. Review status: criteria provided, multiple submitters, no conflicts (2 of 4 stars). 2 submissions from 2 submitters: Uncertain significance (2). Last evaluated 2025-11-03.

Conditions:
Inborn genetic diseases. Identifiers: MedGen C0950123, MeSH D030342.
Myopathy, proximal, and ophthalmoplegia (CMYO6). Also called: MYOPATHY WITH CONGENITAL JOINT CONTRACTURES, OPHTHALMOPLEGIA, AND RIMMED VACUOLES; INCLUSION BODY MYOPATHY 3, AUTOSOMAL DOMINANT; CONGENITAL MYOPATHY 6 WITH OPHTHALMOPLEGIA. Identifiers: Orphanet 363677, Orphanet 79091, MedGen C1854106, MONDO:0011577, OMIM 605637.

Allele frequency attached by ClinVar (database versions not stated): gnomAD exomes 0.00001; ExAC 0.00002; gnomAD 0.00003 and 0.00004; TOPMed 0.00004.
gnomAD v4.1: 11 of 1,614,000 alleles (0.00068%); highest among the groups gnomAD compares: African/African-American, 0.013%; no homozygotes.

Submissions (2):

Labcorp Genetics (formerly Invitae), Labcorp
Classification: Uncertain significance for Myopathy, proximal, and ophthalmoplegia. Last evaluated: 2025-11-03. Review status: criteria provided, single submitter. Criteria: Invitae Variant Classification Sherloc (09022015). Collection method: clinical testing. Allele origin: germline.
Comment: This sequence change replaces isoleucine, which is neutral and non-polar, with valine, which is neutral and non-polar, at codon 115 of the MYH2 protein (p.Ile115Val). This variant is present in population databases (rs781687668, gnomAD 0.01%). This variant has not been reported in the literature in individuals affected with MYH2-related conditions. ClinVar contains an entry for this variant (Variation ID: 1018460). Invitae Evidence Modeling of protein sequence and biophysical properties (such as structural, functional, and spatial information, amino acid conservation, physicochemical variation, residue mobility, and thermodynamic stability) indicates that this missense variant is expected to disrupt MYH2 protein function with a positive predictive value of 80%. In summary, the available evidence is currently insufficient to determine the role of this variant in disease. Therefore, it has been classified as a Variant of Uncertain Significance.

Ambry Genetics
Classification: Uncertain significance for Inborn genetic diseases. Last evaluated: 2025-04-02. Review status: criteria provided, single submitter. Criteria: Ambry Variant Classification Scheme 2023. Collection method: clinical testing. Allele origin: germline.

NM_017534.6(MYH2):c.343A>G (p.Ile115Val)

Genes: MYH2 (myosin heavy chain 2; minus strand), MYHAS (myosin heavy chain gene cluster antisense RNA; plus strand). Cytogenetic location: 17p13.1.
Variant type: single nucleotide variant.
Coding change: c.343A>G on transcript NM_017534.6 (MANE Select); coding-DNA position 343, A replaced by G.
Protein change: p.Ile115Val; replaces isoleucine 115 with valine.
Molecular consequence: missense variant.
Genome position (GRCh38, 1-based): chr17:10,547,480, T>C on the plus strand (A>G on the coding strand, the complement: MYH2 is on the minus strand). VCF-style: chr17-10547480-T-C. GRCh37 (hg19) VCF-style: chr17-10450797-T-C.
Other names: c.343A>G, p.Ile115Val (NM_001100112.2); c.343A>G (NM_017534.5); short protein forms I115V.
Identifiers: ClinVar variation 1018460 (VCV001018460.6), dbSNP rs781687668, ClinGen allele CA8391677.